The following is an entry in ClinVar:

NM_005876.5(SPEG):c.3404C>T (p.Ala1135Val)

Gene: SPEG (striated muscle enriched protein kinase; plus strand). Cytogenetic location: 2q35.
Variant type: single nucleotide variant.
Coding change: c.3404C>T on transcript NM_005876.5 (MANE Select); coding-DNA position 3404, C replaced by T.
Protein change: p.Ala1135Val; replaces alanine 1135 with valine.
Molecular consequence: missense variant.
Genome position (GRCh38, 1-based): chr2:219,468,961, C>T. VCF-style: chr2-219468961-C-T. GRCh37 (hg19) VCF-style: chr2-220333683-C-T.
Other names: short protein forms A1135V.
Identifiers: ClinVar variation 1485957 (VCV001485957.6), dbSNP rs55670811, ClinGen allele CA2126165.
Genomic context (GRCh38, chr2:219,468,961, plus strand): 5'-ACGGGGGTCTGCACTCACTGCACATTGCCCATGTGGGCAGCGAGGACGAGGGGCTCTATG[C>T]GGTCAGTGCTGTTAACACCCATGGCCAGGCCCACTGCTCAGCCCAGCTGTATGTAGAAGA-3'
Protein context (NP_005867.3, residues 1125-1145): HVGSEDEGLY[Ala1135Val]VSAVNTHGQA

ClinVar aggregate classification (germline): Uncertain significance (1 of 4 stars; one submission).

Allele frequency attached by ClinVar (database versions not stated): gnomAD exomes 0.00001; TOPMed 0.00003; ExAC 0.00001; gnomAD 0.00001.
gnomAD v4.1: 14 of 1,613,856 alleles (0.00087%); highest among the groups gnomAD compares: Middle Eastern, 0.033%; no homozygotes.

Submission:

Labcorp Genetics (formerly Invitae), Labcorp
Classification: Uncertain significance. Last evaluated: 2022-05-12. Review status: criteria provided, single submitter. Criteria: Invitae Variant Classification Sherloc (09022015). Collection method: clinical testing. Allele origin: germline.
Comment: This sequence change replaces alanine, which is neutral and non-polar, with valine, which is neutral and non-polar, at codon 1135 of the SPEG protein (p.Ala1135Val). This variant is present in population databases (rs55670811, gnomAD 0.002%). This variant has not been reported in the literature in individuals affected with SPEG-related conditions. Algorithms developed to predict the effect of missense changes on protein structure and function output the following: SIFT: "Tolerated"; PolyPhen-2: "Benign"; Align-GVGD: "Class C0". The valine amino acid residue is found in multiple mammalian species, which suggests that this missense change does not adversely affect protein function. In summary, the available evidence is currently insufficient to determine the role of this variant in disease. Therefore, it has been classified as a Variant of Uncertain Significance.